The following is an entry in ClinVar:

ClinVar aggregate classification (germline): Uncertain significance (1 of 4 stars; one submission).

Submission:

GeneDx
Classification: Uncertain significance. Last evaluated: 2024-12-30. Review status: criteria provided, single submitter. Criteria: GeneDx Variant Classification Process June 2021. Collection method: clinical testing. Allele origin: germline. Affected: yes.
Comment: Not observed at significant frequency in large population cohorts (gnomAD); In silico analysis indicates that this missense variant does not alter protein structure/function; Has not been previously published as pathogenic or benign to our knowledge

NM_021008.4(DEAF1):c.682A>C (p.Ile228Leu)

Gene: DEAF1 (DEAF1 transcription factor; minus strand). Cytogenetic location: 11p15.5.
Variant type: single nucleotide variant.
Coding change: c.682A>C on transcript NM_021008.4 (MANE Select); coding-DNA position 682, A replaced by C.
Protein change: p.Ile228Leu; replaces isoleucine 228 with leucine.
Molecular consequence: missense variant. On other transcripts: 5 prime UTR variant (4), intron variant (1).
Genome position (GRCh38, 1-based): chr11:686,980, T>G on the plus strand (A>C on the coding strand, the complement: DEAF1 is on the minus strand). VCF-style: chr11-686980-T-G. GRCh37 (hg19) VCF-style: chr11-686980-T-G.
Other names: c.-45A>C (NM_001367390.1, NM_001440885.1, NM_001440886.1 and 1 more transcripts); c.682A>C, p.Ile228Leu (NM_001440883.1, NM_001440884.1); c.664+931A>C (NM_001293634.2); short protein forms I228L.
Identifiers: ClinVar variation 3908054 (VCV003908054.1).